The following is an entry in ClinVar:

ClinVar aggregate classification (germline): Uncertain significance (1 of 4 stars; one submission).

Conditions:
Cystic fibrosis (CF). Also called: MUCOVISCIDOSIS. Identifiers: Orphanet 586, MedGen C0010674, MONDO:0009061, OMIM 219700. Disease mechanism: loss of function.

Submission:

Ambry Genetics
Classification: Uncertain significance for Cystic fibrosis. Last evaluated: 2024-05-17. Review status: criteria provided, single submitter. Criteria: Ambry Variant Classification Scheme 2023. Collection method: clinical testing. Allele origin: germline.
Comment: The p.R1128K variant (also known as c.3383G>A), located in coding exon 21 of the CFTR gene, results from a G to A substitution at nucleotide position 3383. The arginine at codon 1128 is replaced by lysine, an amino acid with highly similar properties. This amino acid position is conserved. In addition, this alteration is predicted to be tolerated by in silico analysis. Based on the available evidence, the clinical significance of this variant remains unclear.

NM_000492.4(CFTR):c.3383G>A (p.Arg1128Lys)

Genes: CFTR (CF transmembrane conductance regulator; plus strand), CFTR-AS2 (CFTR antisense RNA 2; minus strand). Cytogenetic location: 7q31.2.
Variant type: single nucleotide variant.
Coding change: c.3383G>A on transcript NM_000492.4 (MANE Select); coding-DNA position 3383, G replaced by A.
Protein change: p.Arg1128Lys; replaces arginine 1128 with lysine.
Molecular consequence: missense variant.
Genome position (GRCh38, 1-based): chr7:117,614,628, G>A. VCF-style: chr7-117614628-G-A. GRCh37 (hg19) VCF-style: chr7-117254682-G-A.
Other names: short protein forms R1128K.
Identifiers: ClinVar variation 3266627 (VCV003266627.1).